The following is an entry in ClinVar:

ClinVar aggregate classification (germline): Likely benign. Review status: criteria provided, multiple submitters, no conflicts (2 of 4 stars). 5 submissions from 5 submitters: Likely benign (5). Last evaluated 2026-05-03.

Conditions:
Inborn genetic diseases. Identifiers: MedGen C0950123, MeSH D030342.
CHARGE syndrome (CHARGE). Also called: Coloboma, heart anomaly, choanal atresia, retardation, genital and ear anomalies; CHARGE association; Hall-Hittner syndrome; Hittner Hirsch Kreh syndrome; CHARGE ASSOCIATION--COLOBOMA, HEART ANOMALY, CHOANAL ATRESIA, RETARDATION, GENITAL AND EAR ANOMALIES. Identifiers: Orphanet 138, MedGen C0265354, MONDO:0008965.
CHD7-related disorder. Also called: CHD7-related condition.
Hypogonadotropic hypogonadism 5 with or without anosmia (KAL5). Also called: HYPOGONADOTROPIC HYPOGONADISM 5 WITH ANOSMIA; HYPOGONADOTROPHIC HYPOGONADISM 5 WITHOUT ANOSMIA; CHD7-Related GnRH Deficiency (Kallmann Syndrome 5). Identifiers: Orphanet 478, MedGen C3552553, MONDO:0012880, OMIM 612370. Disease mechanism: loss of function.

Allele frequency attached by ClinVar (database versions not stated): gnomAD 0.00003 and 0.00005; TOPMed 0.00004; gnomAD exomes 0.00007 and 0.00009; ExAC 0.00010.
gnomAD v4.1: 139 of 1,607,504 alleles (0.0086%); highest among the groups gnomAD compares: South Asian, 0.045%; no homozygotes.

Submissions (5):

Ambry Genetics
Classification: Likely benign for Inborn genetic diseases. Last evaluated: 2026-05-03. Review status: criteria provided, single submitter. Criteria: Ambry Variant Classification Scheme 2023. Collection method: clinical testing. Allele origin: germline.

PreventionGenetics, part of Exact Sciences
Classification: Likely benign for CHD7-related condition. Last evaluated: 2025-09-14. Review status: criteria provided, single submitter. Criteria: ACMG Guidelines, 2015. Collection method: clinical testing. Allele origin: germline.
Comment: This variant is classified as likely benign based on ACMG/AMP sequence variant interpretation guidelines (Richards et al. 2015 PMID: 25741868, with internal and published modifications).

Labcorp Genetics (formerly Invitae), Labcorp
Classification: Likely benign for CHARGE syndrome. Last evaluated: 2025-07-02. Review status: criteria provided, single submitter. Criteria: Invitae Variant Classification Sherloc (09022015). Collection method: clinical testing. Allele origin: germline.

Blueprint Genetics
Classification: Likely benign. Last evaluated: 2024-09-13. Review status: criteria provided, single submitter. Criteria: ACMG Guidelines, 2015. Collection method: clinical testing. Allele origin: germline.

Fulgent Genetics
Classification: Likely benign for CHD7-related CHARGE syndrome; Hypogonadotropic hypogonadism 5 with or without anosmia. Last evaluated: 2021-11-06. Review status: criteria provided, single submitter. Criteria: ACMG Guidelines, 2015. Collection method: clinical testing. Allele origin: unknown.

NM_017780.4(CHD7):c.4881C>T (p.His1627=)

Gene: CHD7 (chromodomain helicase DNA binding protein 7; plus strand). Cytogenetic location: 8q12.2.
Variant type: single nucleotide variant.
Coding change: c.4881C>T on transcript NM_017780.4 (MANE Select); coding-DNA position 4881, C replaced by T.
Protein change: p.His1627=; no amino-acid change (histidine 1627 retained).
Molecular consequence: synonymous variant. On other transcripts: intron variant (1).
Genome position (GRCh38, 1-based): chr8:60,844,894, C>T. VCF-style: chr8-60844894-C-T. GRCh37 (hg19) VCF-style: chr8-61757453-C-T.
Other names: c.1717-17335C>T (NM_001316690.1); c.4881C>T (NM_017780.3).
Identifiers: ClinVar variation 1562525 (VCV001562525.12), dbSNP rs774433565, ClinGen allele CA4760226.
Genomic context (GRCh38, chr8:60,844,894, plus strand): 5'-ACCTCTGCATGCTGGATATTTGCTTTGCAGTTGGGGACGGTGGACAGACATTCTTTCCCA[C>T]GGACGCTATAAACGCCAACTCACTGAGCAAGATGTAGAAACCATCTGCAGAACCATCCTG-3'
Protein context (NP_060250.2, residues 1617-1637): GWGRWTDILS[His1627=]GRYKRQLTEQ